The following is an entry in ClinVar:

NM_004655.4(AXIN2):c.1735C>T (p.Pro579Ser)

Gene: AXIN2 (axin 2; minus strand). Cytogenetic location: 17q24.1.
Variant type: single nucleotide variant.
Coding change: c.1735C>T on transcript NM_004655.4 (MANE Select); coding-DNA position 1735, C replaced by T.
Protein change: p.Pro579Ser; replaces proline 579 with serine.
Molecular consequence: missense variant. On other transcripts: intron variant (1).
Genome position (GRCh38, 1-based): chr17:65,537,041, G>A on the plus strand (C>T on the coding strand, the complement: AXIN2 is on the minus strand). VCF-style: chr17-65537041-G-A. GRCh37 (hg19) VCF-style: chr17-63533159-G-A.
Other names: c.1712+283C>T (NM_001363813.1); short protein forms P579S.
Identifiers: ClinVar variation 4867310 (VCV004867310.1).

ClinVar aggregate classification (germline): Uncertain significance (1 of 4 stars; one submission).

Conditions:
Hereditary cancer-predisposing syndrome. Also called: Neoplastic Syndromes, Hereditary; Tumor predisposition; Hereditary Cancer Syndrome; Hereditary neoplastic syndrome. Identifiers: Orphanet 140162, MedGen C0027672, MeSH D009386, MONDO:0015356.

Submission:

Ambry Genetics
Classification: Uncertain significance for Hereditary cancer-predisposing syndrome. Last evaluated: 2026-05-04. Review status: criteria provided, single submitter. Criteria: Ambry Variant Classification Scheme 2023. Collection method: clinical testing. Allele origin: germline.
Comment: The p.P579S variant (also known as c.1735C>T), located in coding exon 6 of the AXIN2 gene, results from a C to T substitution at nucleotide position 1735. The proline at codon 579 is replaced by serine, an amino acid with similar properties. This amino acid position is conserved. In addition, this alteration is predicted to be tolerated by in silico analysis. Based on the available evidence, the clinical significance of this variant remains unclear.